The following is an entry in ClinVar:

NM_000195.5(HPS1):c.873del (p.Asp292fs)

Gene: HPS1 (HPS1 biogenesis of lysosomal organelles complex 3 subunit 1; minus strand). Cytogenetic location: 10q24.2.
Variant type: Deletion.
Coding change: c.873del on transcript NM_000195.5 (MANE Select); coding-DNA position 873, one base deleted (A; older notation c.873delA).
Protein change: p.Asp292fs; shifts the reading frame from aspartic acid 292.
Molecular consequence: frameshift variant. On other transcripts: 5 prime UTR variant (3).
Genome position (GRCh38, 1-based): chr10:98,429,637, T deleted on the plus strand (A on the coding strand, the reverse complement: HPS1 is on the minus strand). VCF-style (leftmost placement, unchanged base first): chr10-98429636-CT-C. GRCh37 (hg19) VCF-style: chr10-100189393-CT-C.
Other names: c.-100del (NM_001311345.2, NM_001322487.2, NM_001322489.2); c.873del, p.Asp292fs (NM_001322476.2, NM_001322477.2, NM_182639.4); c.774del, p.Asp259fs (NM_001322478.2, NM_001322479.2, NM_001322491.2); c.612del, p.Asp205fs (NM_001322480.2, NM_001322481.2); c.513del, p.Asp172fs (NM_001322482.2); c.504del, p.Asp169fs (NM_001322483.2, NM_001322484.2); c.405del, p.Asp136fs (NM_001322485.2); c.755del, p.Gln252fs (NM_001322490.2); and 1 more; short protein forms D136fs, D169fs, D172fs, D205fs, D259fs, D292fs, Q219fs, Q252fs.
Identifiers: ClinVar variation 5014337 (VCV005014337.1).
Genomic context (GRCh38, chr10:98,429,636, plus strand): 5'-AGCTCTGATCGCCAGGGGAAGGAGCTGGTGTGAAGTACTCCTCAGGGAGGGAGAAGCTGT[CT>C]GTCTCCTGGAATGGAGAAGGTGGCTCAGGTTGAGAGGCTCTCCCAGCTGGCTCAACCCTG-3'

ClinVar aggregate classification (germline): Pathogenic (1 of 4 stars; one submission).

Conditions:
Hermansky-Pudlak syndrome 1 (HPS1). Also called: DELTA STORAGE POOL DISEASE. Identifiers: Orphanet 231500, Orphanet 79430, MedGen C2931875, MONDO:0008748, OMIM 203300.

Submission:

Myriad Genetics, Inc.
Classification: Pathogenic for Hermansky-Pudlak syndrome 1. Last evaluated: 2025-04-19. Review status: criteria provided, single submitter. Criteria: Myriad Autosomal Dominant, Autosomal Recessive and X-Linked Classification Criteria (2023). Collection method: clinical testing. Allele origin: unknown.
Comment: NM_000195.3(HPS1):c.873delA(D292Tfs*39) is expected to be pathogenic in the context of Hermansky-Pudlak syndrome, HPS1-related. This variant is predicted to lead to an abnormal or absent protein product due to the creation of a premature termination codon in HPS1, a gene where loss-of-function variants are known to be pathogenic. Please note: this variant was assessed in the context of healthy population screening.